The following is an entry in ClinVar:

ClinVar aggregate classification (germline): Uncertain significance. Review status: criteria provided, multiple submitters, no conflicts (2 of 4 stars). 2 submissions from 2 submitters: Uncertain significance (2). Last evaluated 2026-04-20.

Conditions:
Polyglandular autoimmune syndrome, type 1 (APS1). Also called: Autoimmune polyendocrinopathy syndrome, type I; AUTOIMMUNE POLYENDOCRINE SYNDROME, TYPE I, WITH OR WITHOUT REVERSIBLE METAPHYSEAL DYSPLASIA; APS I; Whitaker syndrome; Autoimmune polyendocrinopathy syndrome , type I, with or without reversible metaphyseal dysplasia; HYPOADRENOCORTICISM WITH HYPOPARATHYROIDISM AND SUPERFICIAL MONILIASIS. Identifiers: Orphanet 3453, MedGen C0085859, MONDO:0009411, OMIM 240300.
Inborn genetic diseases. Identifiers: MedGen C0950123, MeSH D030342.

Allele frequency attached by ClinVar (database versions not stated): gnomAD 0.00001.

Submissions (2):

Ambry Genetics
Classification: Uncertain significance for Inborn genetic diseases. Last evaluated: 2026-04-20. Review status: criteria provided, single submitter. Criteria: Ambry Variant Classification Scheme 2023. Collection method: clinical testing. Allele origin: germline.

Labcorp Genetics (formerly Invitae), Labcorp
Classification: Uncertain significance for Polyglandular autoimmune syndrome, type 1. Last evaluated: 2022-01-03. Review status: criteria provided, single submitter. Criteria: Invitae Variant Classification Sherloc (09022015). Collection method: clinical testing. Allele origin: germline.
Comment: This sequence change replaces aspartic acid, which is acidic and polar, with glutamic acid, which is acidic and polar, at codon 439 of the AIRE protein (p.Asp439Glu). This variant is not present in population databases (gnomAD no frequency). This variant has not been reported in the literature in individuals affected with AIRE-related conditions. Algorithms developed to predict the effect of missense changes on protein structure and function are either unavailable or do not agree on the potential impact of this missense change (SIFT: "Tolerated"; PolyPhen-2: "Possibly Damaging"; Align-GVGD: "Class C0"). In summary, the available evidence is currently insufficient to determine the role of this variant in disease. Therefore, it has been classified as a Variant of Uncertain Significance.

NM_000383.4(AIRE):c.1317T>G (p.Asp439Glu)

Gene: AIRE (autoimmune regulator; plus strand). Cytogenetic location: 21q22.3.
Variant type: single nucleotide variant.
Coding change: c.1317T>G on transcript NM_000383.4 (MANE Select); coding-DNA position 1317, T replaced by G.
Protein change: p.Asp439Glu; replaces aspartic acid 439 with glutamic acid.
Molecular consequence: missense variant.
Genome position (GRCh38, 1-based): chr21:44,293,827, T>G. VCF-style: chr21-44293827-T-G. GRCh37 (hg19) VCF-style: chr21-45713710-T-G.
Other names: short protein forms D439E.
Identifiers: ClinVar variation 2179044 (VCV002179044.2), dbSNP rs1474485684, ClinGen allele CA410425678.